The following is an entry in ClinVar:

ClinVar aggregate classification (germline): Pathogenic/Likely pathogenic. Review status: criteria provided, multiple submitters, no conflicts (2 of 4 stars). 5 submissions from 5 submitters: Pathogenic (3); Likely pathogenic (1). 1 of the submissions does not count toward it. Last evaluated 2026-03-31.

Conditions:
Visceral myopathy 1 (VSCM1). Also called: Visceral myopathy; Infantile visceral myopathy; ACTG2 Visceral Myopathy. Identifiers: Orphanet 2604, MedGen C5542197, MONDO:0020754, OMIM 155310.

Submissions (5):

GeneDx
Classification: Pathogenic. Last evaluated: 2026-03-31. Review status: criteria provided, single submitter. Criteria: GeneDx Variant Classification Process June 2021. Collection method: clinical testing. Allele origin: germline.
Comment: Not observed at significant frequency in large population cohorts (gnomAD); In silico analysis suggests that this missense variant does not alter protein structure/function; This variant is associated with the following publications: (PMID: 33294969, 32810037, 33656779, 33880338, 41479126, 36264152)

CeGaT Center for Human Genetics Tuebingen
Classification: Pathogenic. Last evaluated: 2025-04-01. Review status: criteria provided, single submitter. Criteria: CeGaT Center For Human Genetics Tuebingen Variant Classification Criteria Version 2. Collection method: clinical testing. Allele origin: germline. Affected: yes. Observed: 1 variant allele.
Comment: ACTG2: PM1, PM2, PS2:Moderate, PS4:Moderate, PP2, PP3

3billion
Classification: Likely pathogenic for Visceral myopathy 1. Last evaluated: 2024-09-03. Review status: criteria provided, single submitter. Criteria: ACMG Guidelines, 2015. Collection method: clinical testing. Allele origin: germline. Affected: yes.
Comment: The variant is not observed in the gnomAD v4.0.0 dataset. Predicted Consequence/Location: Missense changes are a common disease-causing mechanism. In silico tool predictions suggest damaging effect of the variant on gene or gene product [REVEL: 0.67 (>=0.6, sensitivity 0.68 and specificity 0.92); 3Cnet: 0.99 (>=0.6, sensitivity 0.72 and precision 0.9)]. The same nucleotide change resulting in the same amino acid change has been previously reported to be associated with ACTG2 related disorder (ClinVar ID: VCV000973102 /PMID: 33294969). The variant has been previously reported as de novo in a similarly affected individual (PMID: 33294969). Therefore, this variant is classified as Likely pathogenic according to the recommendation of ACMG/AMP guideline.

Seattle Children's Hospital Molecular Genetics Laboratory, Seattle Children's Hospital
Classification: Pathogenic for Visceral myopathy 1. Review status: criteria provided, single submitter. Criteria: ACMG Guidelines, 2015. Collection method: clinical testing. Allele origin: germline. Affected: yes.
Comment: The p.Glu196Asp variant substitutes the glycine at amino acid position 196 with an aspartic acid in the lateral bonding loop in subdomain 4 and is predicted to disrupt the salt bridge formed with p.Arg257 that is found in the wildtype ACTG2 protein (PMID: 33294969). The p.Glu196Asp variant has been reported in several unrelated individuals with pediatric intestinal pseudo-obstruction (PMID: 33294969, PMID: 33656779, PMID: 32810037, PMID: 33880338). Clinical findings reported in individuals with this variant include megacystis, abdominal distension, constipation, nausea and vomiting (Matera et al., 2021, Martire et al., 2021; Wei et al., 2021; Xiong et al., 2021). For the three cases where parents were tested, the variant was found to be a de novo change. Cultured smooth muscle cells derived from an individual with the the p.Glu196Asp variant showed decreased a smooth muscle actin protein levels and increased PDGFRA expression compared to controls, suggesting this variant impacts smooth muscle cell differentiation (PMID: 33656779).

UOSD Genetics and Genomics of Rare Diseases, Istituto Giannina Gaslini
Classification: Likely pathogenic for Visceral myopathy. Last evaluated: 2020-04-28. Review status: no assertion criteria provided. Collection method: provider interpretation. Allele origin: de novo. Affected: yes. Not counted in ClinVar's aggregate classification.

Literature cited by the submitters: PubMed 33294969 (cited by 3billion).

NM_001615.4(ACTG2):c.588G>C (p.Glu196Asp)

Gene: ACTG2 (actin gamma 2, smooth muscle; plus strand). Cytogenetic location: 2p13.1.
Variant type: single nucleotide variant.
Coding change: c.588G>C on transcript NM_001615.4 (MANE Select); coding-DNA position 588, G replaced by C.
Protein change: p.Glu196Asp; replaces glutamic acid 196 with aspartic acid.
Molecular consequence: missense variant.
Genome position (GRCh38, 1-based): chr2:73,913,621, G>C. VCF-style: chr2-73913621-G-C. GRCh37 (hg19) VCF-style: chr2-74140748-G-C.
Other names: c.459G>C, p.Glu153Asp (NM_001199893.2); short protein forms E196D, E153D.
Identifiers: ClinVar variation 973102 (VCV000973102.12), dbSNP rs140943831, ClinGen allele CA347304029.